The following is an entry in ClinVar:

ClinVar aggregate classification (germline): Likely pathogenic (1 of 4 stars; one submission).

Conditions:
Lethal congenital contractural syndrome Finnish type.

Submission:

Natera, Inc.
Classification: Likely pathogenic for Lethal congenital contractural syndrome Finnish type. Last evaluated: 2026-01-16. Review status: criteria provided, single submitter. Criteria: Natera Variant Classification Schema (03/2026). Collection method: clinical testing. Allele origin: germline.
Comment: The c.472del variant in GLE1 is a frameshift variant predicted to shift the reading frame beginning at codon 158 and leads to a stop codon 12 codons downstream. This variant is expected to result in nonsense mediated decay, truncation, or a dysfunctional protein product. This variant is rare in the general population with a frequency below the threshold expected for the associated phenotype(s). Given the available evidence, this variant is classified as Likely Pathogenic.

NM_001003722.2(GLE1):c.472del (p.Val158fs)

Gene: GLE1 (GLE1 RNA export mediator; plus strand). Cytogenetic location: 9q34.11.
Variant type: Deletion.
Coding change: c.472del on transcript NM_001003722.2 (MANE Select); coding-DNA position 472, one base deleted (G; older notation c.472delG).
Protein change: p.Val158fs; shifts the reading frame from valine 158.
Molecular consequence: frameshift variant.
Genome position (GRCh38, 1-based): chr9:128,522,707, G deleted; the last of 2 consecutive G bases (chr9:128,522,706-128,522,707); deleting either gives the same sequence. VCF-style (leftmost placement, unchanged base first): chr9-128522705-AG-A. GRCh37 (hg19) VCF-style: chr9-131284984-AG-A.
Other names: c.472delG, p.Val158Cysfs (NM_001003722.1); c.472del, p.Val158fs (NM_001411013.1, NM_001499.2); short protein forms V158fs.
Identifiers: ClinVar variation 4814499 (VCV004814499.1).
Genomic context (GRCh38, chr9:128,522,705, plus strand): 5'-AAAAAAAAAAAAAACCTTTTCAGGAGGGCCTGAGGCTATGGCAGGAGGAGCAGGAGAGGA[AG>A]GTGCAAGCCCTCTCGGAGATGGCATCTGAACAACTGAAGCGGTTTGATGAATGGAAGGAA-3'